The following is an entry in ClinVar:

ClinVar aggregate classification (germline): Uncertain significance (1 of 4 stars; one submission).

Allele frequency attached by ClinVar (database versions not stated): gnomAD exomes below 0.00001; gnomAD 0.00001; TOPMed 0.00001.
gnomAD v4.1: 8 of 1,613,574 alleles (0.0005%); highest among the groups gnomAD compares: Non-Finnish European, 0.00068%; no homozygotes.

Submission:

Labcorp Genetics (formerly Invitae), Labcorp
Classification: Uncertain significance. Last evaluated: 2021-09-21. Review status: criteria provided, single submitter. Criteria: Invitae Variant Classification Sherloc (09022015). Collection method: clinical testing. Allele origin: germline.
Comment: This variant has not been reported in the literature in individuals affected with KMT2A-related conditions. Advanced modeling of protein sequence and biophysical properties (such as structural, functional, and spatial information, amino acid conservation, physicochemical variation, residue mobility, and thermodynamic stability) performed at Invitae indicates that this missense variant is not expected to disrupt KMT2A protein function. In summary, the available evidence is currently insufficient to determine the role of this variant in disease. Therefore, it has been classified as a Variant of Uncertain Significance. This variant is not present in population databases (ExAC no frequency). This sequence change replaces proline with serine at codon 553 of the KMT2A protein (p.Pro553Ser). The proline residue is weakly conserved and there is a moderate physicochemical difference between proline and serine.

NM_001197104.2(KMT2A):c.1657C>T (p.Pro553Ser)

Gene: KMT2A (lysine methyltransferase 2A; plus strand). Cytogenetic location: 11q23.3.
Variant type: single nucleotide variant.
Coding change: c.1657C>T on transcript NM_001197104.2 (MANE Select); coding-DNA position 1657, C replaced by T.
Protein change: p.Pro553Ser; replaces proline 553 with serine.
Molecular consequence: missense variant.
Genome position (GRCh38, 1-based): chr11:118,472,816, C>T. VCF-style: chr11-118472816-C-T. GRCh37 (hg19) VCF-style: chr11-118343531-C-T.
Other names: c.1657C>T, p.Pro553Ser (NM_005933.4); short protein forms P553S.
Identifiers: ClinVar variation 1490518 (VCV001490518.6), dbSNP rs1949967357, ClinGen allele CA382810586.
Genomic context (GRCh38, chr11:118,472,816, plus strand): 5'-GTGTCGGAGAGAAGTTTTGGATCTAGAACGACGAAAAAATTATCAACTCTACAAAGTGCC[C>T]CCCAGCAGCAGACCTCCTCGTCTCCACCTCCACCTCTGCTGACTCCACCGCCACCACTGC-3'
Protein context (NP_001184033.1, residues 543-563): TKKLSTLQSA[Pro553Ser]QQQTSSSPPP